The following is an entry in ClinVar:

NM_016333.4(SRRM2):c.7071C>T (p.Thr2357=)

Gene: SRRM2 (serine/arginine repetitive matrix 2; plus strand). Cytogenetic location: 16p13.3.
Variant type: single nucleotide variant.
Coding change: c.7071C>T on transcript NM_016333.4 (MANE Select); coding-DNA position 7071, C replaced by T.
Protein change: p.Thr2357=; no amino-acid change (threonine 2357 retained).
Molecular consequence: synonymous variant.
Genome position (GRCh38, 1-based): chr16:2,767,599, C>T. VCF-style: chr16-2767599-C-T. GRCh37 (hg19) VCF-style: chr16-2817600-C-T.
Identifiers: ClinVar variation 3771572 (VCV003771572.13).

ClinVar aggregate classification (germline): Likely benign (1 of 4 stars; one submission).

gnomAD v4.1: 54 of 1,614,076 alleles (0.0033%); highest among the groups gnomAD compares: East Asian, 0.042%; 1 homozygote.

Submission:

CeGaT Center for Human Genetics Tuebingen
Classification: Likely benign. Last evaluated: 2025-02-01. Review status: criteria provided, single submitter. Criteria: CeGaT Center For Human Genetics Tuebingen Variant Classification Criteria Version 2. Collection method: clinical testing. Allele origin: germline. Affected: yes. Observed: 1 variant allele.
Comment: SRRM2: BP4, BP7